The following is an entry in ClinVar:

ClinVar aggregate classification (germline): Uncertain significance (1 of 4 stars; one submission).

Conditions:
Infantile myofibromatosis (IMF). Also called: Congenital generalized fibromatosis. Identifiers: Orphanet 2591, MedGen C0432284, MONDO:0016824.
Skeletal overgrowth-craniofacial dysmorphism-hyperelastic skin-white matter lesions syndrome. Also called: SKELETAL OVERGROWTH WITH FACIAL DYSMORPHISM, HYPERELASTIC SKIN, WHITE MATTER LESIONS, AND NEUROLOGIC DETERIORATION; Kosaki overgrowth syndrome. Identifiers: Orphanet 477831, MedGen C4225270, MONDO:0014704, OMIM 616592.
Acroosteolysis-keloid-like lesions-premature aging syndrome. Also called: Premature aging syndrome, Penttinen type; Prematurely aged appearance, delayed bone maturation, acro-osteolysis, and brachydactyly; Progeroid syndrome, Penttinen type. Identifiers: Orphanet 363665, MedGen C1866182, MONDO:0011150, OMIM 601812.
Basal ganglia calcification, idiopathic, 4 (PFBC4). Also called: Familial Idiopathic Basal Ganglia Calcification 4; PRIMARY FAMILIAL BRAIN CALCIFICATION 4, AUTOSOMAL DOMINANT. Identifiers: Orphanet 1980, MedGen C3554321, MONDO:0014004, OMIM 615007.

gnomAD v4.1: 1 of 1,613,136 alleles (0.000062%); highest among the groups gnomAD compares: Non-Finnish European, 0.000085%; no homozygotes.

Submission:

Labcorp Genetics (formerly Invitae), Labcorp
Classification: Uncertain significance for Basal ganglia calcification, idiopathic, 4; Skeletal overgrowth-craniofacial dysmorphism-hyperelastic skin-white matter lesions syndrome; Infantile myofibromatosis; Acroosteolysis-keloid-like lesions-premature aging syndrome. Last evaluated: 2023-03-06. Review status: criteria provided, single submitter. Criteria: Invitae Variant Classification Sherloc (09022015). Collection method: clinical testing. Allele origin: germline.
Comment: This sequence change replaces threonine, which is neutral and polar, with lysine, which is basic and polar, at codon 592 of the PDGFRB protein (p.Thr592Lys). This variant is present in population databases (rs771835513, gnomAD 0.002%). This variant has not been reported in the literature in individuals affected with PDGFRB-related conditions. Advanced modeling of protein sequence and biophysical properties (such as structural, functional, and spatial information, amino acid conservation, physicochemical variation, residue mobility, and thermodynamic stability) performed at Invitae indicates that this missense variant is not expected to disrupt PDGFRB protein function. In summary, the available evidence is currently insufficient to determine the role of this variant in disease. Therefore, it has been classified as a Variant of Uncertain Significance.

NM_002609.4(PDGFRB):c.1775C>A (p.Thr592Lys)

Gene: PDGFRB (platelet derived growth factor receptor beta; minus strand). Cytogenetic location: 5q32.
Variant type: single nucleotide variant.
Coding change: c.1775C>A on transcript NM_002609.4 (MANE Select); coding-DNA position 1775, C replaced by A.
Protein change: p.Thr592Lys; replaces threonine 592 with lysine.
Molecular consequence: missense variant.
Genome position (GRCh38, 1-based): chr5:150,125,477, G>T on the plus strand (C>A on the coding strand, the complement: PDGFRB is on the minus strand). VCF-style: chr5-150125477-G-T. GRCh37 (hg19) VCF-style: chr5-149505040-G-T.
Other names: c.1583C>A, p.Thr528Lys (NM_001355016.2); c.1292C>A, p.Thr431Lys (NM_001355017.2); short protein forms T528K, T431K, T592K.
Identifiers: ClinVar variation 2926108 (VCV002926108.3), dbSNP rs771835513, ClinGen allele CA3507881.